The following is an entry in ClinVar:

ClinVar aggregate classification (germline): Uncertain significance (1 of 4 stars; one submission).

Conditions:
Peroxisome biogenesis disorder 7A (Zellweger). Also called: Peroxisome biogenesis disorder 7A. Identifiers: Orphanet 912, MedGen C3888385, MONDO:0013938, OMIM 614872.
Peroxisome biogenesis disorder 7B (PBD7B). Identifiers: Orphanet 44, MedGen C3553951, MONDO:0013939, OMIM 614873.

Submission:

Labcorp Genetics (formerly Invitae), Labcorp
Classification: Uncertain significance for Peroxisome biogenesis disorder 7A (Zellweger); Peroxisome biogenesis disorder 7B. Last evaluated: 2022-06-20. Review status: criteria provided, single submitter. Criteria: Invitae Variant Classification Sherloc (09022015). Collection method: clinical testing. Allele origin: germline.
Comment: This sequence change replaces arginine, which is basic and polar, with glycine, which is neutral and non-polar, at codon 20 of the PEX26 protein (p.Arg20Gly). This variant is not present in population databases (gnomAD no frequency). This variant has not been reported in the literature in individuals affected with PEX26-related conditions. ClinVar contains an entry for this variant (Variation ID: 999563). Algorithms developed to predict the effect of missense changes on protein structure and function (SIFT, PolyPhen-2, Align-GVGD) all suggest that this variant is likely to be tolerated. In summary, the available evidence is currently insufficient to determine the role of this variant in disease. Therefore, it has been classified as a Variant of Uncertain Significance.

NM_001127649.3(PEX26):c.58C>G (p.Arg20Gly)

Gene: PEX26 (peroxisomal biogenesis factor 26; plus strand). Cytogenetic location: 22q11.21.
Variant type: single nucleotide variant.
Coding change: c.58C>G on transcript NM_001127649.3 (MANE Select); coding-DNA position 58, C replaced by G.
Protein change: p.Arg20Gly; replaces arginine 20 with glycine.
Molecular consequence: missense variant.
Genome position (GRCh38, 1-based): chr22:18,078,434, C>G. VCF-style: chr22-18078434-C-G. GRCh37 (hg19) VCF-style: chr22-18561200-C-G.
Other names: c.58C>G, p.Arg20Gly (NM_001199319.2, NM_017929.6); short protein forms R20G.
Identifiers: ClinVar variation 999563 (VCV000999563.8), dbSNP rs1215836822, ClinGen allele CA410264245.